The following is an entry in ClinVar:

NM_052947.4(ALPK2):c.6038C>A (p.Pro2013His)

Gene: ALPK2 (alpha kinase 2; minus strand). Cytogenetic location: 18q21.31.
Variant type: single nucleotide variant.
Coding change: c.6038C>A on transcript NM_052947.4 (MANE Select); coding-DNA position 6038, C replaced by A.
Protein change: p.Pro2013His; replaces proline 2013 with histidine.
Molecular consequence: missense variant.
Genome position (GRCh38, 1-based): chr18:58,504,140, G>T on the plus strand (C>A on the coding strand, the complement: ALPK2 is on the minus strand). VCF-style: chr18-58504140-G-T. GRCh37 (hg19) VCF-style: chr18-56171372-G-T.
Other names: short protein forms P2013H.
Identifiers: ClinVar variation 2561799 (VCV002561799.2), dbSNP rs780252761, ClinGen allele CA8976266.

ClinVar aggregate classification (germline): Uncertain significance (1 of 4 stars; one submission).

Allele frequency attached by ClinVar (database versions not stated): ExAC 0.00001.

Submission:

Ambry Genetics
Classification: Uncertain significance. Last evaluated: 2023-05-21. Review status: criteria provided, single submitter. Criteria: Ambry Variant Classification Scheme 2023. Collection method: clinical testing. Allele origin: germline.
Comment: The p.P2013H variant (also known as c.6038C>A), located in coding exon 10 of the ALPK2 gene, results from a C to A substitution at nucleotide position 6038. The proline at codon 2013 is replaced by histidine, an amino acid with similar properties. This amino acid position is conserved. In addition, the in silico prediction for this alteration is inconclusive. Since supporting evidence is limited at this time, the clinical significance of this alteration remains unclear.